The following is an entry in ClinVar:

NM_020461.4(TUBGCP6):c.618C>G (p.Phe206Leu)

Gene: TUBGCP6 (tubulin gamma complex component 6; minus strand). Cytogenetic location: 22q13.33.
Variant type: single nucleotide variant.
Coding change: c.618C>G on transcript NM_020461.4 (MANE Select); coding-DNA position 618, C replaced by G.
Protein change: p.Phe206Leu; replaces phenylalanine 206 with leucine.
Molecular consequence: missense variant.
Genome position (GRCh38, 1-based): chr22:50,243,842, G>C on the plus strand (C>G on the coding strand, the complement: TUBGCP6 is on the minus strand). VCF-style: chr22-50243842-G-C. GRCh37 (hg19) VCF-style: chr22-50682271-G-C.
Other names: short protein forms F206L.
Identifiers: ClinVar variation 1495667 (VCV001495667.7), dbSNP rs1182589176, ClinGen allele CA412114749.

ClinVar aggregate classification (germline): Uncertain significance (1 of 4 stars; one submission).

Allele frequency attached by ClinVar (database versions not stated): gnomAD exomes below 0.00001.
gnomAD v4.1: 4 of 1,613,626 alleles (0.00025%); highest among the groups gnomAD compares: Non-Finnish European, 0.00034%; no homozygotes.

Submission:

Labcorp Genetics (formerly Invitae), Labcorp
Classification: Uncertain significance. Last evaluated: 2023-11-20. Review status: criteria provided, single submitter. Criteria: Invitae Variant Classification Sherloc (09022015). Collection method: clinical testing. Allele origin: germline.
Comment: This sequence change replaces phenylalanine, which is neutral and non-polar, with leucine, which is neutral and non-polar, at codon 206 of the TUBGCP6 protein (p.Phe206Leu). This variant is present in population databases (no rsID available, gnomAD 0.0009%). This variant has not been reported in the literature in individuals affected with TUBGCP6-related conditions. ClinVar contains an entry for this variant (Variation ID: 1495667). An algorithm developed to predict the effect of missense changes on protein structure and function (PolyPhen-2) suggests that this variant is likely to be disruptive. In summary, the available evidence is currently insufficient to determine the role of this variant in disease. Therefore, it has been classified as a Variant of Uncertain Significance.